The following is an entry in ClinVar:

ClinVar aggregate classification (germline): Likely pathogenic (1 of 4 stars; one submission).

Submission:

GeneDx
Classification: Likely pathogenic. Last evaluated: 2017-05-31. Review status: criteria provided, single submitter. Criteria: GeneDx Variant Classification (06012015). Collection method: clinical testing. Allele origin: germline. Affected: yes.
Comment: A variant that is likely pathogenic has been identified in the PRRT2 gene. The c.577dupG variant has not been published as a pathogenic variant, nor has it been reported as a benign variant to our knowledge. The c.577dupG variant is not observed in large population cohorts (Lek et al., 2016; 1000 Genomes Consortium et al., 2015; Exome Variant Server). The c.577dupG variant gene causes a frameshift starting with codon Glutamic acid 193, changes this amino acid to a Glysine residue and creates a premature Stop codon at position 7 of the new reading frame, denoted p.Glu193GlyfsX7. This variant is predicted to cause loss of normal protein function either through protein truncation or nonsense-mediated mRNA decay. Therefore, this variant is likely pathogenic; however, the possibility that it is benign cannot be excluded.

NM_145239.3(PRRT2):c.577dup (p.Glu193fs)

Genes: MVP-DT (MVP divergent transcript; minus strand), PRRT2 (proline rich transmembrane protein 2; plus strand). Cytogenetic location: 16p11.2.
Variant type: Duplication.
Coding change: c.577dup on transcript NM_145239.3 (MANE Select); coding-DNA position 577, one base duplicated (G; older notation c.577dupG).
Protein change: p.Glu193fs; shifts the reading frame from glutamic acid 193.
Molecular consequence: frameshift variant.
Genome position (GRCh38, 1-based): chr16:29,813,631, G duplicated; the last of 4 consecutive G bases (chr16:29,813,628-29,813,631); duplicating any one gives the same sequence. VCF-style (leftmost placement, unchanged base first): chr16-29813627-T-TG. GRCh37 (hg19) VCF-style: chr16-29824948-T-TG.
Other names: c.577dup, p.Glu193fs (NM_001256442.2, NM_001256443.2); c.577dupG (NM_145239.2); short protein forms E193fs.
Identifiers: ClinVar variation 430515 (VCV000430515.2), dbSNP rs1131692000, ClinGen allele CA645369673.